The following is an entry in ClinVar:

ClinVar aggregate classification (germline): Pathogenic (0 of 4 stars; one submission).

Conditions:
Steinert myotonic dystrophy syndrome (DM1). Also called: STEINERT DISEASE; Myotonic dystrophy type 1; Dystrophia myotonica type 1; Steinert myotonic dystrophy; Steinert's disease. Identifiers: Orphanet 273, MedGen C3250443, MONDO:0008056, OMIM 160900.

Submission:

Institute of Molecular, Cell and Systems Biology, University of Glasgow
Classification: Pathogenic for Steinert myotonic dystrophy syndrome. Last evaluated: 2018-03-14. Review status: no assertion criteria provided. Collection method: research. Allele origin: inherited. Inheritance: Autosomal dominant inheritance. Affected: yes. Observed: 1 variant allele.
Comment: DMPK CTG repeat expansions greater than approximately 45-50 repeats are assumed to be pathogenic

Literature cited by the submitters: PubMed 29967337; PubMed 1346923; PubMed 1546326.

NM_004409.5(DMPK):c.*224CTG[105]

Genes: DM1-AS (DM1 locus antisense RNA; plus strand), DMPK (DM1 protein kinase; minus strand), LOC107075317 (origin of replication in DMPK trinucleotide repeat region; plus strand), LOC109461477 (dystrophia myotonica protein kinase repeat instability region; plus strand). Cytogenetic location: 19q13.32.
Variant type: Microsatellite.
Coding change: c.*224CTG[105] on transcript NM_004409.5 (MANE Select); 105 copies in a row of the 3-base unit CTG starting at c.*224.
Molecular consequence: 3 prime UTR variant.
Genome position: GRCh38, VCF-style position (the base before the change): chr19:45,770,204. GRCh37 (hg19), VCF-style position (the base before the change): chr19:46,273,462.
Other names: c.*224CTG[105] (NM_001081560.3, NM_001288764.2, NM_001424165.1 and 1 more transcripts); c.*217CTG[105] (NM_001081562.3, NM_001288765.2, NM_001424162.1 and 2 more transcripts); c.*222_*224TGC[105] (NM_001081563.3); c.*369CTG[105] (NM_001288766.2, NM_001424164.1, NM_001424168.1).
Identifiers: ClinVar variation 523759 (VCV000523759.2), ClinGen allele CA915951703.